The following is an entry in ClinVar:

ClinVar aggregate classification (germline): Uncertain significance (1 of 4 stars; one submission).

Submission:

GeneDx
Classification: Uncertain significance. Last evaluated: 2024-05-12. Review status: criteria provided, single submitter. Criteria: GeneDx Variant Classification Process June 2021. Collection method: clinical testing. Allele origin: germline. Affected: yes.
Comment: Not observed at significant frequency in large population cohorts (gnomAD); Has not been previously published as pathogenic or benign to our knowledge; In silico analysis is inconclusive as to whether the variant alters gene splicing. In the absence of RNA/functional studies, the actual effect of this sequence change is unknown.

NM_000426.4(LAMA2):c.1307-9T>C

Gene: LAMA2 (laminin subunit alpha 2; plus strand). Cytogenetic location: 6q22.33.
Variant type: single nucleotide variant.
Coding change: c.1307-9T>C on transcript NM_000426.4 (MANE Select); 9 bases into the intron before coding-DNA position 1307, T replaced by C.
Molecular consequence: intron variant.
Genome position (GRCh38, 1-based): chr6:129,177,697, T>C. VCF-style: chr6-129177697-T-C. GRCh37 (hg19) VCF-style: chr6-129498842-T-C.
Other names: c.1307-9T>C (NM_001079823.2).
Identifiers: ClinVar variation 3378237 (VCV003378237.1).